The following is an entry in ClinVar:

NM_016011.5(MECR):c.1022C>T (p.Thr341Ile)

Gene: MECR (mitochondrial trans-2-enoyl-CoA reductase; minus strand). Cytogenetic location: 1p35.3.
Variant type: single nucleotide variant.
Coding change: c.1022C>T on transcript NM_016011.5 (MANE Select); coding-DNA position 1022, C replaced by T.
Protein change: p.Thr341Ile; replaces threonine 341 with isoleucine.
Molecular consequence: missense variant. On other transcripts: non-coding transcript variant (4).
Genome position (GRCh38, 1-based): chr1:29,194,122, G>A on the plus strand (C>T on the coding strand, the complement: MECR is on the minus strand). VCF-style: chr1-29194122-G-A. GRCh37 (hg19) VCF-style: chr1-29520634-G-A.
Other names: c.794C>T, p.Thr265Ile (NM_001024732.4, NM_001349711.2, NM_001349712.2 and 2 more transcripts); c.1127C>T, p.Thr376Ile (NM_001349715.2); c.1106C>T, p.Thr369Ile (NM_001349716.2); c.872C>T, p.Thr291Ile (NM_001349717.2); short protein forms T265I, T291I, T341I, T369I, T376I.
Identifiers: ClinVar variation 1310493 (VCV001310493.2), dbSNP rs376502800, ClinGen allele CA725538.
Genomic context (GRCh38, chr1:29,194,122, plus strand): 5'-ATGGAGGCTTCCAAGGCAGACTGGTAGTCCTGCAGCGGGACCTGGGAGCAGGCAGGGGCT[G>A]TGAGCTGGCCTCGGCGGATGAGATCGCACAGTGTGAGGATCAGCTCCTTGAACTGGTCTG-3'
Protein context (NP_057095.4, residues 331-351): LCDLIRRGQL[Thr341Ile]APACSQVPLQ

ClinVar aggregate classification (germline): Uncertain significance (1 of 4 stars; one submission).

Allele frequency attached by ClinVar (database versions not stated): ExAC 0.00001; gnomAD exomes 0.00001; TOPMed 0.00002; gnomAD 0.00003 and 0.00004; ESP Exome Variant Server 0.00008.
gnomAD v4.1: 19 of 1,614,020 alleles (0.0012%); highest among the groups gnomAD compares: Non-Finnish European, 0.0016%; no homozygotes.

Submission:

GeneDx
Classification: Uncertain significance. Last evaluated: 2019-12-03. Review status: criteria provided, single submitter. Criteria: GeneDx Variant Classification Process June 2021. Collection method: clinical testing. Allele origin: germline. Affected: yes.
Comment: Not observed at a significant frequency in large population cohorts (Lek et al., 2016); In silico analysis, which includes protein predictors and evolutionary conservation, supports that this variant does not alter protein structure/function; Has not been previously published as pathogenic or benign to our knowledge